The following is an entry in ClinVar:

NM_006514.4(SCN10A):c.1984G>T (p.Val662Leu)

Gene: SCN10A (sodium voltage-gated channel alpha subunit 10; minus strand). Cytogenetic location: 3p22.2.
Variant type: single nucleotide variant.
Coding change: c.1984G>T on transcript NM_006514.4 (MANE Select); coding-DNA position 1984, G replaced by T.
Protein change: p.Val662Leu; replaces valine 662 with leucine.
Molecular consequence: missense variant.
Genome position (GRCh38, 1-based): chr3:38,742,413, C>A on the plus strand (G>T on the coding strand, the complement: SCN10A is on the minus strand). VCF-style: chr3-38742413-C-A. GRCh37 (hg19) VCF-style: chr3-38783904-C-A.
Other names: c.1984G>T, p.Val662Leu (NM_001293306.2); c.1690G>T, p.Val564Leu (NM_001293307.2); short protein forms V662L, V564L.
Identifiers: ClinVar variation 3950856 (VCV003950856.1).

ClinVar aggregate classification (germline): Uncertain significance (1 of 4 stars; one submission).

Conditions:
Cardiovascular phenotype. Identifiers: MedGen CN230736.

Submission:

Ambry Genetics
Classification: Uncertain significance for Cardiovascular phenotype. Last evaluated: 2025-04-05. Review status: criteria provided, single submitter. Criteria: Ambry Variant Classification Scheme 2023. Collection method: clinical testing. Allele origin: germline.
Comment: The p.V662L variant (also known as c.1984G>T), located in coding exon 13 of the SCN10A gene, results from a G to T substitution at nucleotide position 1984. The valine at codon 662 is replaced by leucine, an amino acid with highly similar properties. This amino acid position is conserved. In addition, this alteration is predicted to be deleterious by in silico analysis. Based on the available evidence, the clinical significance of this variant remains unclear.